The following is an entry in ClinVar:

ClinVar aggregate classification (germline): Uncertain significance. Review status: criteria provided, multiple submitters, no conflicts (2 of 4 stars). 2 submissions from 2 submitters: Uncertain significance (2). Last evaluated 2025-03-17.

Submissions (2):

Women's Health and Genetics/Laboratory Corporation of America, LabCorp
Classification: Uncertain significance. Last evaluated: 2025-03-17. Review status: criteria provided, single submitter. Criteria: LabCorp Variant Classification Summary - May 2015. Collection method: clinical testing. Allele origin: germline.
Comment: Variant summary: NEFH c.2129C>G (p.Ser710Cys) results in a non-conservative amino acid change in the encoded protein sequence. Three of five in-silico tools predict a damaging effect of the variant on protein function. The variant allele was found at a frequency of 1.6e-05 in 249636 control chromosomes, predominantly at a frequency of 8.7e-05 within the Latino subpopulation in the gnomAD database. The available data on variant occurrences in the general population are insufficient to allow any conclusion about variant significance. To our knowledge, no occurrence of c.2129C>G in individuals affected with Charcot-Marie-Tooth disease axonal type 2CC and no experimental evidence demonstrating its impact on protein function have been reported. ClinVar contains an entry for this variant (Variation ID: 2079649). Based on the evidence outlined above, the variant was classified as uncertain significance.

Labcorp Genetics (formerly Invitae), Labcorp
Classification: Uncertain significance. Last evaluated: 2023-12-02. Review status: criteria provided, single submitter. Criteria: Invitae Variant Classification Sherloc (09022015). Collection method: clinical testing. Allele origin: germline.
Comment: This sequence change replaces serine, which is neutral and polar, with cysteine, which is neutral and slightly polar, at codon 710 of the NEFH protein (p.Ser710Cys). This variant is present in population databases (no rsID available, gnomAD 0.009%). This variant has not been reported in the literature in individuals affected with NEFH-related conditions. ClinVar contains an entry for this variant (Variation ID: 2079649). Advanced modeling of protein sequence and biophysical properties (such as structural, functional, and spatial information, amino acid conservation, physicochemical variation, residue mobility, and thermodynamic stability) performed at Invitae indicates that this missense variant is not expected to disrupt NEFH protein function with a negative predictive value of 95%. In summary, the available evidence is currently insufficient to determine the role of this variant in disease. Therefore, it has been classified as a Variant of Uncertain Significance.

NM_021076.4(NEFH):c.2129C>G (p.Ser710Cys)

Gene: NEFH (neurofilament heavy chain; plus strand). Cytogenetic location: 22q12.2.
Variant type: single nucleotide variant.
Coding change: c.2129C>G on transcript NM_021076.4 (MANE Select); coding-DNA position 2129, C replaced by G.
Protein change: p.Ser710Cys; replaces serine 710 with cysteine.
Molecular consequence: missense variant.
Genome position (GRCh38, 1-based): chr22:29,489,769, C>G. VCF-style: chr22-29489769-C-G. GRCh37 (hg19) VCF-style: chr22-29885758-C-G.
Other names: short protein forms S710C.
Identifiers: ClinVar variation 2079649 (VCV002079649.5), dbSNP rs1327968924, ClinGen allele CA411135992.